The following is an entry in ClinVar:

ClinVar aggregate classification (germline): Pathogenic. Review status: criteria provided, multiple submitters, no conflicts (2 of 4 stars). 2 submissions from 2 submitters: Pathogenic (2). Last evaluated 2025-05-14.

Conditions:
Glycogen storage disease type III (GSD3). Also called: FORBES DISEASE; Cori disease. Identifiers: Orphanet 366, MedGen C0017922, MONDO:0009291, OMIM 232400.

Submissions (2):

Labcorp Genetics (formerly Invitae), Labcorp
Classification: Pathogenic for Glycogen storage disease type III. Last evaluated: 2025-05-14. Review status: criteria provided, single submitter. Criteria: Invitae Variant Classification Sherloc (09022015). Collection method: clinical testing. Allele origin: germline.
Comment: This sequence change creates a premature translational stop signal (p.Tyr1068*) in the AGL gene. It is expected to result in an absent or disrupted protein product. Loss-of-function variants in AGL are known to be pathogenic (PMID: 19299494). This variant is not present in population databases (gnomAD no frequency). This premature translational stop signal has been observed in individuals with glycogen storage disease type 3 (PMID: 17047887; internal data). This variant is also known as c.3202–3203delTA. ClinVar contains an entry for this variant (Variation ID: 456486). For these reasons, this variant has been classified as Pathogenic.

3billion
Classification: Pathogenic for Glycogen storage disease type III. Last evaluated: 2025-04-10. Review status: criteria provided, single submitter. Criteria: ACMG Guidelines, 2015. Collection method: clinical testing. Allele origin: germline. Affected: yes.
Comment: The variant is not observed in the gnomAD v4.1.0 dataset. Predicted Consequence/Location: Stop-gained (nonsense): predicted to result in a loss or disruption of normal protein function through nonsense-mediated decay (NMD) or protein truncation. Multiple pathogenic variants are reported downstream of the variant. The variant was homozygous. The variant has been reported to be associated with AGL-related disorder (ClinVar ID: VCV000456486 / PMID: 17047887). Therefore, this variant is classified as Pathogenic according to the recommendation of ACMG/AMP guideline.

Literature cited by the submitters: PubMed 19299494 (cited by Labcorp Genetics (formerly Invitae), Labcorp); PubMed 17047887 (cited by Labcorp Genetics (formerly Invitae), Labcorp and 3billion).

NM_000642.3(AGL):c.3204_3205del (p.Tyr1068_Arg1069delinsTer)

Gene: AGL (amylo-alpha-1,6-glucosidase and 4-alpha-glucanotransferase; plus strand). Cytogenetic location: 1p21.2.
Variant type: Microsatellite.
Coding change: c.3204_3205del on transcript NM_000642.3 (MANE Select); coding-DNA positions 3204 to 3205, 2 bases deleted (TA; older notation c.3204_3205delTA).
Protein change: p.Tyr1068_Arg1069delinsTer.
Molecular consequence: nonsense. On other transcripts: frameshift variant (10).
Genome position (GRCh38, 1-based): chr1:99,892,552-99,892,553, TA deleted; deleting any 2 consecutive bases within chr1:99,892,550-99,892,553 gives the same sequence; the c. name uses the placement nearest the transcript's 3' end. VCF-style (leftmost placement, unchanged base first): chr1-99892549-TTA-T. GRCh37 (hg19) VCF-style: chr1-100358105-TTA-T.
Other names: c.3204_3205del (NM_000642.2); c.3202_3203TA[1], p.Tyr1068Terfs (NM_000028.3, NM_000643.3, NM_000644.3 and 1 more transcripts); c.3154_3155TA[1], p.Tyr1052Terfs (NM_000646.3); c.3181_3182TA[1], p.Tyr1061Terfs (NM_001425326.1); c.3001_3002TA[1], p.Tyr1001Terfs (NM_001425327.1); c.2998_2999TA[1], p.Tyr1000Terfs (NM_001425328.1); c.2863_2864TA[1], p.Tyr955Terfs (NM_001425329.1); c.2824_2825TA[1], p.Tyr942Terfs (NM_001425332.1).
Identifiers: ClinVar variation 456486 (VCV000456486.12), dbSNP rs1553188832, ClinGen allele CA658655628.